The following is an entry in ClinVar:

NM_001286611.2(REPS1):c.1948G>A (p.Glu650Lys)

Gene: REPS1 (RALBP1 associated Eps domain containing 1; minus strand). Cytogenetic location: 6q24.1.
Variant type: single nucleotide variant.
Coding change: c.1948G>A on transcript NM_001286611.2 (MANE Select); coding-DNA position 1948, G replaced by A.
Protein change: p.Glu650Lys; replaces glutamic acid 650 with lysine.
Molecular consequence: missense variant.
Genome position (GRCh38, 1-based): chr6:138,912,788, C>T on the plus strand (G>A on the coding strand, the complement: REPS1 is on the minus strand). VCF-style: chr6-138912788-C-T. GRCh37 (hg19) VCF-style: chr6-139233925-C-T.
Other names: c.1867G>A, p.Glu623Lys (NM_001128617.3); c.1675G>A, p.Glu559Lys (NM_001286612.2); c.1945G>A, p.Glu649Lys (NM_031922.5); short protein forms E559K, E623K, E649K, E650K.
Identifiers: ClinVar variation 3612412 (VCV003612412.2).
Genomic context (GRCh38, chr6:138,912,788, plus strand): 5'-TGCCTGCAGAAAATTAGCCAAGCCCTCGAAAACTGACCGGCAGGACTTCTGGATGTTTCT[C>T]GGCTTCATCATCTTGTTCGTCGTTTACATTTGATGCAGCAAATACTTCAAACTGACTGAA-3'
Protein context (NP_001273540.1, residues 640-660): NVNDEQDDEA[Glu650Lys]KHPEVLPAEK

ClinVar aggregate classification (germline): Uncertain significance (1 of 4 stars; one submission).

gnomAD v4.1: 12 of 1,614,036 alleles (0.00074%); highest among the groups gnomAD compares: East Asian, 0.0022%; no homozygotes.

Submission:

Labcorp Genetics (formerly Invitae), Labcorp
Classification: Uncertain significance. Last evaluated: 2024-11-13. Review status: criteria provided, single submitter. Criteria: Invitae Variant Classification Sherloc (09022015). Collection method: clinical testing. Allele origin: germline.
Comment: This sequence change replaces glutamic acid, which is acidic and polar, with lysine, which is basic and polar, at codon 650 of the REPS1 protein (p.Glu650Lys). This variant is present in population databases (rs113586112, gnomAD 0.002%). This variant has not been reported in the literature in individuals affected with REPS1-related conditions. Invitae Evidence Modeling of protein sequence and biophysical properties (such as structural, functional, and spatial information, amino acid conservation, physicochemical variation, residue mobility, and thermodynamic stability) indicates that this missense variant is not expected to disrupt REPS1 protein function with a negative predictive value of 80%. In summary, the available evidence is currently insufficient to determine the role of this variant in disease. Therefore, it has been classified as a Variant of Uncertain Significance.